The following is an entry in ClinVar:

NM_000128.4(F11):c.586del (p.Ser196fs)

Gene: F11 (coagulation factor XI; plus strand). Cytogenetic location: 4q35.2.
Variant type: Deletion.
Coding change: c.586del on transcript NM_000128.4 (MANE Select); coding-DNA position 586, one base deleted (T; older notation c.586delT).
Protein change: p.Ser196fs; shifts the reading frame from serine 196.
Molecular consequence: frameshift variant.
Genome position (GRCh38, 1-based): chr4:186,275,887, T deleted; the last of 3 consecutive T bases (chr4:186,275,885-186,275,887); deleting any one gives the same sequence. VCF-style (leftmost placement, unchanged base first): chr4-186275884-CT-C. GRCh37 (hg19) VCF-style: chr4-187197038-CT-C.
Other names: short protein forms S196fs.
Identifiers: ClinVar variation 2875436 (VCV002875436.3), dbSNP rs2477270976, ClinGen allele CA2739270368.
Genomic context (GRCh38, chr4:186,275,884, plus strand): 5'-CCAACCAGAATAACGAAGCTCGATAAAGTGGTGTCTGGATTTTCACTGAAATCCTGTGCA[CT>C]TTCTAATCTGGGTAATTATCGACTTCTTGATGATGTAATTCAACCATTAAATATGCTGAT-3'

ClinVar aggregate classification (germline): Pathogenic (1 of 4 stars; one submission).

Submission:

Labcorp Genetics (formerly Invitae), Labcorp
Classification: Pathogenic. Last evaluated: 2023-07-29. Review status: criteria provided, single submitter. Criteria: Invitae Variant Classification Sherloc (09022015). Collection method: clinical testing. Allele origin: germline.
Comment: For these reasons, this variant has been classified as Pathogenic. This variant has not been reported in the literature in individuals affected with F11-related conditions. This variant is not present in population databases (gnomAD no frequency). This sequence change creates a premature translational stop signal (p.Ser196Leufs*153) in the F11 gene. It is expected to result in an absent or disrupted protein product. Loss-of-function variants in F11 are known to be pathogenic (PMID: 23929304).

Literature cited by the submitters: PubMed 23929304.